The following is an entry in ClinVar:

ClinVar aggregate classification (germline): Likely benign. Review status: criteria provided, multiple submitters, no conflicts (2 of 4 stars). 3 submissions from 3 submitters: Likely benign (2). 1 of the submissions does not count toward it. Last evaluated 2023-12-02.

Conditions:
SLC26A1-related disorder. Also called: SLC26A1-related condition.
Nephrolithiasis, calcium oxalate. Also called: Calcium oxalate urolithiasis. Identifiers: MedGen C1833683, MONDO:0957318, HP:0008672.

Allele frequency attached by ClinVar (database versions not stated): gnomAD exomes 0.00002 and 0.00005; ESP Exome Variant Server 0.00008; ExAC 0.00009; gnomAD 0.00011; 1000 Genomes Project 30x 0.00016; 1000 Genomes Project 0.00020; TOPMed 0.00023.
gnomAD v4.1: 46 of 1,591,096 alleles (0.0029%); highest among the groups gnomAD compares: Admixed American, 0.049%; 1 homozygote.

Submissions (3):

Labcorp Genetics (formerly Invitae), Labcorp
Classification: Likely benign. Last evaluated: 2023-12-02. Review status: criteria provided, single submitter. Criteria: Invitae Variant Classification Sherloc (09022015). Collection method: clinical testing. Allele origin: germline.

Fulgent Genetics
Classification: Likely benign for Nephrolithiasis susceptibility caused by SLC26A1. Last evaluated: 2021-11-18. Review status: criteria provided, single submitter. Criteria: ACMG Guidelines, 2015. Collection method: clinical testing. Allele origin: unknown.

PreventionGenetics, part of Exact Sciences
Classification: Likely benign for SLC26A1-related condition. Last evaluated: 2021-08-11. Review status: no assertion criteria provided. Collection method: clinical testing. Allele origin: germline. Not counted in ClinVar's aggregate classification.
Comment: This variant is classified as likely benign based on ACMG/AMP sequence variant interpretation guidelines (Richards et al. 2015 PMID: 25741868, with internal and published modifications).

NM_022042.4(SLC26A1):c.1869C>T (p.Asp623=)

Genes: IDUA (alpha-L-iduronidase; plus strand), SLC26A1 (solute carrier family 26 member 1; minus strand). Cytogenetic location: 4p16.3.
Variant type: single nucleotide variant.
Coding change: c.1869C>T on transcript NM_022042.4 (MANE Select); coding-DNA position 1869, C replaced by T.
Protein change: p.Asp623=; no amino-acid change (aspartic acid 623 retained).
Molecular consequence: synonymous variant. On other transcripts: intron variant (2).
Genome position (GRCh38, 1-based): chr4:989,070, G>A on the plus strand (C>T on the coding strand, the complement: SLC26A1 is on the minus strand). VCF-style: chr4-989070-G-A. GRCh37 (hg19) VCF-style: chr4-982858-G-A.
Other names: c.1869C>T (NM_022042.3); c.1869C>T, p.Asp623= (NM_213613.4); c.576+2058C>T (NM_134425.4); c.299+1121G>A (NM_000203.5).
Identifiers: ClinVar variation 1538980 (VCV001538980.11), dbSNP rs144567476, ClinGen allele CA2801242.